The following is an entry in ClinVar:

NM_206937.2(LIG4):c.1922T>C (p.Ile641Thr)

Gene: LIG4 (DNA ligase 4; minus strand). Cytogenetic location: 13q33.3.
Variant type: single nucleotide variant.
Coding change: c.1922T>C on transcript NM_206937.2 (MANE Select); coding-DNA position 1922, T replaced by C.
Protein change: p.Ile641Thr; replaces isoleucine 641 with threonine.
Molecular consequence: missense variant.
Genome position (GRCh38, 1-based): chr13:108,209,347, A>G on the plus strand (T>C on the coding strand, the complement: LIG4 is on the minus strand). VCF-style: chr13-108209347-A-G. GRCh37 (hg19) VCF-style: chr13-108861695-A-G.
Other names: c.1922T>C, p.Ile641Thr (NM_001098268.2, NM_001352598.2, NM_001352599.2 and 6 more transcripts); c.1721T>C, p.Ile574Thr (NM_001330595.2); c.1958T>C, p.Ile653Thr (NM_001352604.2); short protein forms I641T, I574T, I653T.
Identifiers: ClinVar variation 1467170 (VCV001467170.5), dbSNP rs1165437263, ClinGen allele CA388615350.

ClinVar aggregate classification (germline): Uncertain significance (1 of 4 stars; one submission).

Conditions:
DNA ligase IV deficiency. Identifiers: Orphanet 99812, MedGen C1847827, MONDO:0011686, OMIM 606593.

Allele frequency attached by ClinVar (database versions not stated): gnomAD 0.00001; gnomAD exomes 0.00001; TOPMed 0.00001.
gnomAD v4.1: 25 of 1,613,998 alleles (0.0015%); highest among the groups gnomAD compares: Non-Finnish European, 0.0019%; no homozygotes.

Submission:

Labcorp Genetics (formerly Invitae), Labcorp
Classification: Uncertain significance for DNA ligase IV deficiency. Last evaluated: 2022-06-20. Review status: criteria provided, single submitter. Criteria: Invitae Variant Classification Sherloc (09022015). Collection method: clinical testing. Allele origin: germline.
Comment: This sequence change replaces isoleucine, which is neutral and non-polar, with threonine, which is neutral and polar, at codon 641 of the LIG4 protein (p.Ile641Thr). This variant is present in population databases (no rsID available, gnomAD 0.002%). This variant has not been reported in the literature in individuals affected with LIG4-related conditions. Algorithms developed to predict the effect of missense changes on protein structure and function (SIFT, PolyPhen-2, Align-GVGD) all suggest that this variant is likely to be tolerated. In summary, the available evidence is currently insufficient to determine the role of this variant in disease. Therefore, it has been classified as a Variant of Uncertain Significance.